The following is an entry in ClinVar:

ClinVar aggregate classification (germline): Uncertain significance (1 of 4 stars; one submission).

Allele frequency attached by ClinVar (database versions not stated): gnomAD exomes below 0.00001; gnomAD 0.00002; TOPMed 0.00002.
gnomAD v4.1: 9 of 1,612,624 alleles (0.00056%); highest among the groups gnomAD compares: Non-Finnish European, 0.00076%; no homozygotes.

Submission:

Labcorp Genetics (formerly Invitae), Labcorp
Classification: Uncertain significance. Last evaluated: 2022-03-29. Review status: criteria provided, single submitter. Criteria: Invitae Variant Classification Sherloc (09022015). Collection method: clinical testing. Allele origin: germline.
Comment: This variant has not been reported in the literature in individuals affected with MYH7B-related conditions. This variant is present in population databases (no rsID available, gnomAD 0.0009%). This sequence change replaces leucine, which is neutral and non-polar, with valine, which is neutral and non-polar, at codon 1069 of the MYH7B protein (p.Leu1069Val). Algorithms developed to predict the effect of missense changes on protein structure and function (SIFT, PolyPhen-2, Align-GVGD) all suggest that this variant is likely to be disruptive. In summary, the available evidence is currently insufficient to determine the role of this variant in disease. Therefore, it has been classified as a Variant of Uncertain Significance.

NM_020884.7(MYH7B):c.3079C>G (p.Leu1027Val)

Gene: MYH7B (myosin heavy chain 7B; plus strand). Cytogenetic location: 20q11.22.
Variant type: single nucleotide variant.
Coding change: c.3079C>G on transcript NM_020884.7 (MANE Select); coding-DNA position 3079, C replaced by G.
Protein change: p.Leu1027Val; replaces leucine 1027 with valine.
Molecular consequence: missense variant.
Genome position (GRCh38, 1-based): chr20:34,996,481, C>G. VCF-style: chr20-34996481-C-G. GRCh37 (hg19) VCF-style: chr20-33584284-C-G.
Other names: short protein forms L1027V.
Identifiers: ClinVar variation 1991391 (VCV001991391.4), dbSNP rs996899842, ClinGen allele CA313480857.
Genomic context (GRCh38, chr20:34,996,481, plus strand): 5'-CAGGAGGCCCACCAACAGGCCCTGGGTGACCTGCAGGCCGAGGAGGACCGTGTGAGCGCG[C>G]TGACCAAGGCCAAGCTCCGGCTGGAGCAACAGGTGGAGGACGTGAGTCAGGGCCACCCCG-3'
Protein context (NP_065935.4, residues 1017-1037): LQAEEDRVSA[Leu1027Val]TKAKLRLEQQ